The following is an entry in ClinVar:

NM_000541.5(SAG):c.211T>C (p.Tyr71His)

Gene: SAG (S-antigen visual arrestin; plus strand). Cytogenetic location: 2q37.1.
Variant type: single nucleotide variant.
Coding change: c.211T>C on transcript NM_000541.5 (MANE Select); coding-DNA position 211, T replaced by C.
Protein change: p.Tyr71His; replaces tyrosine 71 with histidine.
Molecular consequence: missense variant.
Genome position (GRCh38, 1-based): chr2:233,320,659, T>C. VCF-style: chr2-233320659-T-C. GRCh37 (hg19) VCF-style: chr2-234229305-T-C.
Other names: short protein forms Y71H.
Identifiers: ClinVar variation 4781225 (VCV004781225.1).

ClinVar aggregate classification (germline): Uncertain significance (1 of 4 stars; one submission).

Submission:

Labcorp Genetics (formerly Invitae), Labcorp
Classification: Uncertain significance. Last evaluated: 2025-09-29. Review status: criteria provided, single submitter. Criteria: Invitae Variant Classification Sherloc (09022015). Collection method: clinical testing. Allele origin: germline.
Comment: This sequence change replaces tyrosine, which is neutral and polar, with histidine, which is basic and polar, at codon 71 of the SAG protein (p.Tyr71His). This variant is not present in population databases (gnomAD no frequency). This variant has not been reported in the literature in individuals affected with SAG-related conditions. Invitae Evidence Modeling of protein sequence and biophysical properties (such as structural, functional, and spatial information, amino acid conservation, physicochemical variation, residue mobility, and thermodynamic stability) has been performed for this missense variant. However, the output from this modeling did not meet the statistical confidence thresholds required to predict the impact of this variant on SAG protein function. In summary, the available evidence is currently insufficient to determine the role of this variant in disease. Therefore, it has been classified as a Variant of Uncertain Significance.